The following is an entry in ClinVar:

ClinVar aggregate classification (germline): Benign. Review status: criteria provided, multiple submitters, no conflicts (2 of 4 stars). 4 submissions from 4 submitters: Benign (3). 1 of the submissions does not count toward it. Last evaluated 2018-03-06.

Allele frequency attached by ClinVar (database versions not stated): gnomAD 0.06707 and 0.07210; 1000 Genomes Project 0.06989; 1000 Genomes Project 30x 0.07761; TOPMed 0.07788.
gnomAD v4.1: 16,364 of 1,183,262 alleles (1.4%); highest among the groups gnomAD compares: African/African-American, 23%; 1,765 homozygotes.

Submissions (4):

Eurofins Ntd Llc (ga)
Classification: Benign. Last evaluated: 2018-03-06. Review status: criteria provided, single submitter. Criteria: EGL ClinVar v180209 classification definitions. Collection method: clinical testing. Allele origin: germline. Observed: 55 variant alleles, 51 heterozygotes, 4 homozygotes.

GeneDx
Classification: Benign. Last evaluated: 2012-03-06. Review status: criteria provided, single submitter. Criteria: GeneDx Variant Classification (06012015). Collection method: clinical testing. Allele origin: germline. Affected: yes.
Comment: This variant is considered likely benign or benign based on one or more of the following criteria: it is a conservative change, it occurs at a poorly conserved position in the protein, it is predicted to be benign by multiple in silico algorithms, and/or has population frequency not consistent with disease.

PreventionGenetics, part of Exact Sciences
Classification: Benign. Review status: criteria provided, single submitter. Criteria: ACMG Guidelines, 2015. Collection method: clinical testing. Allele origin: germline.

Mayo Clinic Laboratories, Mayo Clinic
Classification: Benign. Last evaluated: 2017-01-03. Review status: no assertion criteria provided. Collection method: clinical testing. Allele origin: unknown. Not counted in ClinVar's aggregate classification.

NM_005670.4(EPM2A):c.-15C>A

Genes: EPM2A (EPM2A glucan phosphatase, laforin; minus strand), EPM2A-DT (EPM2A divergent transcript; plus strand), LOC129997381 (ATAC-STARR-seq lymphoblastoid silent region 17642; plus strand). Cytogenetic location: 6q24.3.
Variant type: single nucleotide variant.
Coding change: c.-15C>A on transcript NM_005670.4 (MANE Select); 15 bases upstream of the start codon, C replaced by A.
Molecular consequence: 5 prime UTR variant. On other transcripts: intron variant (1).
Genome position (GRCh38, 1-based): chr6:145,735,513, G>T on the plus strand (C>A on the coding strand, the complement: EPM2A is on the minus strand). VCF-style: chr6-145735513-G-T. GRCh37 (hg19) VCF-style: chr6-146056649-G-T.
Other names: c.-15C>A (NM_001018041.2, NM_001360057.2, NM_001368130.1); c.-684C>A (NM_001360071.2); c.-638C>A (NM_001368129.2); c.-382C>A (NM_001368131.1); c.-114+395C>A (NM_001360064.2).
Identifiers: ClinVar variation 137221 (VCV000137221.7), dbSNP rs7771112, ClinGen allele CA302701.